The following is an entry in ClinVar:

ClinVar aggregate classification (germline): Likely benign. Review status: criteria provided, multiple submitters, no conflicts (2 of 4 stars). 2 submissions from 2 submitters: Likely benign (2). Last evaluated 2025-07-03.

Allele frequency attached by ClinVar (database versions not stated): TOPMed 0.00006; ExAC 0.00007; gnomAD 0.00008; gnomAD exomes 0.00014; 1000 Genomes Project 30x 0.00047; 1000 Genomes Project 0.00060.
gnomAD v4.1: 206 of 1,614,080 alleles (0.013%); highest among the groups gnomAD compares: East Asian, 0.46%; 1 homozygote.

Submissions (2):

Labcorp Genetics (formerly Invitae), Labcorp
Classification: Likely benign. Last evaluated: 2025-07-03. Review status: criteria provided, single submitter. Criteria: Invitae Variant Classification Sherloc (09022015). Collection method: clinical testing. Allele origin: germline.

CeGaT Center for Human Genetics Tuebingen
Classification: Likely benign. Last evaluated: 2024-01-01. Review status: criteria provided, single submitter. Criteria: CeGaT Center For Human Genetics Tuebingen Variant Classification Criteria Version 2. Collection method: clinical testing. Allele origin: germline. Affected: yes. Observed: 2 variant alleles.
Comment: MAST1: BP4, BP7, BS1

NM_014975.3(MAST1):c.993C>T (p.Thr331=)

Gene: MAST1 (microtubule associated serine/threonine kinase 1; plus strand). Cytogenetic location: 19p13.13.
Variant type: single nucleotide variant.
Coding change: c.993C>T on transcript NM_014975.3 (MANE Select); coding-DNA position 993, C replaced by T.
Protein change: p.Thr331=; no amino-acid change (threonine 331 retained).
Molecular consequence: synonymous variant.
Genome position (GRCh38, 1-based): chr19:12,852,231, C>T. VCF-style: chr19-12852231-C-T. GRCh37 (hg19) VCF-style: chr19-12963045-C-T.
Identifiers: ClinVar variation 2908770 (VCV002908770.25), dbSNP rs202164797, ClinGen allele CA9232756.